The following is an entry in ClinVar:

ClinVar aggregate classification (germline): Uncertain significance (1 of 4 stars; one submission).

Conditions:
Inborn genetic diseases. Identifiers: MedGen C0950123, MeSH D030342.

Submission:

Ambry Genetics
Classification: Uncertain significance for Inborn genetic diseases. Last evaluated: 2026-04-12. Review status: criteria provided, single submitter. Criteria: Ambry Variant Classification Scheme 2023. Collection method: clinical testing. Allele origin: germline.
Comment: The p.M872I variant (also known as c.2616G>A), located in coding exon 20 of the BUB1B gene, results from a G to A substitution at nucleotide position 2616. The methionine at codon 872 is replaced by isoleucine, an amino acid with highly similar properties. This amino acid position is conserved. In addition, this alteration is predicted to be tolerated by in silico analysis. Based on the available evidence, the clinical significance of this variant remains unclear.

NM_001211.6(BUB1B):c.2616G>A (p.Met872Ile)

Gene: BUB1B (BUB1 mitotic checkpoint serine/threonine kinase B; plus strand). Cytogenetic location: 15q15.1.
Variant type: single nucleotide variant.
Coding change: c.2616G>A on transcript NM_001211.6 (MANE Select); coding-DNA position 2616, G replaced by A.
Protein change: p.Met872Ile; replaces methionine 872 with isoleucine.
Molecular consequence: missense variant.
Genome position (GRCh38, 1-based): chr15:40,213,412, G>A. VCF-style: chr15-40213412-G-A. GRCh37 (hg19) VCF-style: chr15-40505613-G-A.
Other names: short protein forms M872I.
Identifiers: ClinVar variation 4867970 (VCV004867970.1).
Genomic context (GRCh38, chr15:40,213,412, plus strand): 5'-ATATATTACCCATGAAATAACAGTGTTGATTATTTATAACCTTTTGACAATAGTGGAGAT[G>A]CTACACAAAGCAGAAATAGTCCATGGTGACTTGAGTCCAAGGTGTCTGATTCTCAGAAAC-3'
Protein context (NP_001202.5, residues 862-882): IIYNLLTIVE[Met872Ile]LHKAEIVHGD